The following is an entry in ClinVar:

NM_001163278.2(TENM1):c.3655A>G (p.Ile1219Val)

Gene: TENM1 (teneurin transmembrane protein 1; minus strand). Cytogenetic location: Xq25.
Variant type: single nucleotide variant.
Coding change: c.3655A>G on transcript NM_001163278.2 (MANE Select); coding-DNA position 3655, A replaced by G.
Protein change: p.Ile1219Val; replaces isoleucine 1219 with valine.
Molecular consequence: missense variant.
Genome position (GRCh38, 1-based): chrX:124,497,056, T>C on the plus strand (A>G on the coding strand, the complement: TENM1 is on the minus strand). VCF-style: chrX-124497056-T-C. GRCh37 (hg19) VCF-style: chrX-123630906-T-C.
Other names: c.3652A>G, p.Ile1218Val (NM_001163279.1); c.3655A>G, p.Ile1219Val (NM_014253.3); short protein forms I1218V, I1219V.
Identifiers: ClinVar variation 783912 (VCV000783912.7), dbSNP rs150306777, ClinGen allele CA10509934.

ClinVar aggregate classification (germline): Benign. Review status: criteria provided, multiple submitters, no conflicts (2 of 4 stars). 3 submissions from 3 submitters: Benign (2). 1 of the submissions does not count toward it. Last evaluated 2018-08-21.

Conditions:
TENM1-related disorder. Also called: TENM1-related condition.

Allele frequency attached by ClinVar (database versions not stated): ExAC 0.00164; gnomAD 0.00388 and 0.00377; ESP Exome Variant Server 0.00596; gnomAD exomes 0.00042 and 0.00114; 1000 Genomes Project 30x 0.00416; TOPMed 0.00430; 1000 Genomes Project 0.00450.
gnomAD v4.1: 901 of 1,208,315 alleles (0.075%); highest among the groups gnomAD compares: African/African-American, 1.3%; 7 homozygotes.

Submissions (3):

Labcorp Genetics (formerly Invitae), Labcorp
Classification: Benign. Last evaluated: 2018-08-21. Review status: criteria provided, single submitter. Criteria: Invitae Variant Classification Sherloc (09022015). Collection method: clinical testing. Allele origin: germline.

Breakthrough Genomics
Classification: Benign. Review status: criteria provided, single submitter. Criteria: ACMG Guidelines, 2015. Collection method: not provided. Allele origin: germline. Inheritance: Unknown mechanism. Affected: yes.

PreventionGenetics, part of Exact Sciences
Classification: Likely benign for TENM1-related condition. Last evaluated: 2019-12-18. Review status: no assertion criteria provided. Collection method: clinical testing. Allele origin: germline. Not counted in ClinVar's aggregate classification.
Comment: This variant is classified as likely benign based on ACMG/AMP sequence variant interpretation guidelines (Richards et al. 2015 PMID: 25741868, with internal and published modifications).